The following is an entry in ClinVar:

ClinVar aggregate classification (germline): Uncertain significance (1 of 4 stars; one submission).

gnomAD v4.1: 1 of 1,206,778 alleles (0.000083%); highest among the groups gnomAD compares: African/African-American, 0.0017%; no homozygotes.

Submission:

Labcorp Genetics (formerly Invitae), Labcorp
Classification: Uncertain significance. Last evaluated: 2025-10-23. Review status: criteria provided, single submitter. Criteria: Invitae Variant Classification Sherloc (09022015). Collection method: clinical testing. Allele origin: germline.
Comment: This sequence change affects an acceptor splice site in intron 5 of the GYG2 gene. It is expected to disrupt RNA splicing. Variants that disrupt the donor or acceptor splice site typically lead to a loss of protein function (PMID: 16199547), however the current clinical and genetic evidence is not sufficient to establish whether loss-of-function variants in GYG2 cause disease. This variant is not present in population databases (gnomAD no frequency). This variant has not been reported in the literature in individuals affected with GYG2-related conditions. Algorithms developed to predict the effect of sequence changes on RNA splicing suggest that this variant may disrupt the consensus splice site. In summary, the available evidence is currently insufficient to determine the role of this variant in disease. Therefore, it has been classified as a Variant of Uncertain Significance.

Literature cited by the submitters: PubMed 16199547.

NM_001079855.2(GYG2):c.325-2A>G

Gene: GYG2 (glycogenin 2; plus strand). Cytogenetic location: Xp22.33.
Variant type: single nucleotide variant.
Coding change: c.325-2A>G on transcript NM_001079855.2 (MANE Select); the canonical splice acceptor site of the intron before coding-DNA position 325, A replaced by G.
Molecular consequence: splice acceptor variant.
Genome position (GRCh38, 1-based): chrX:2,854,991, A>G. VCF-style: chrX-2854991-A-G. GRCh37 (hg19) VCF-style: chrX-2773032-A-G.
Other names: c.418-2A>G (NM_003918.3, NM_001184703.2); c.325-2A>G (NM_001184702.2); c.-141-2A>G (NM_001184704.2).
Identifiers: ClinVar variation 4779719 (VCV004779719.1).
Genomic context (GRCh38, chrX:2,854,991, plus strand): 5'-CAAAAACAGAAGCATTGGTAAAAGAAGCATTGCGGCGGGTTCTGCGTGTTTTGCTTCACC[A>G]GGTGCTGTCCAATGTCGATGAGCTGTTTGACAGGGGAGAGTTTTCTGCGGCCCCGGACCC-3'